The following is an entry in ClinVar:

NM_138927.4(SON):c.4573G>A (p.Glu1525Lys)

Gene: SON (SON DNA and RNA binding protein; plus strand). Cytogenetic location: 21q22.11.
Variant type: single nucleotide variant.
Coding change: c.4573G>A on transcript NM_138927.4 (MANE Select); coding-DNA position 4573, G replaced by A.
Protein change: p.Glu1525Lys; replaces glutamic acid 1525 with lysine.
Molecular consequence: missense variant. On other transcripts: non-coding transcript variant (1), intron variant (1).
Genome position (GRCh38, 1-based): chr21:33,553,804, G>A. VCF-style: chr21-33553804-G-A. GRCh37 (hg19) VCF-style: chr21-34926110-G-A.
Other names: c.4573G>A, p.Glu1525Lys (NM_001291411.2, NM_001412133.1, NM_032195.3 and 2 more transcripts); c.245-3352G>A (NM_001291412.3); short protein forms E1525K.
Identifiers: ClinVar variation 2712839 (VCV002712839.3), dbSNP rs777957668, ClinGen allele CA320153409.

ClinVar aggregate classification (germline): Uncertain significance (1 of 4 stars; one submission).

Allele frequency attached by ClinVar (database versions not stated): gnomAD 0.00001; TOPMed 0.00001.

Submission:

Labcorp Genetics (formerly Invitae), Labcorp
Classification: Uncertain significance. Last evaluated: 2024-01-22. Review status: criteria provided, single submitter. Criteria: Invitae Variant Classification Sherloc (09022015). Collection method: clinical testing. Allele origin: germline.
Comment: This sequence change replaces glutamic acid, which is acidic and polar, with lysine, which is basic and polar, at codon 1525 of the SON protein (p.Glu1525Lys). This variant is present in population databases (rs777957668, gnomAD 0.002%). This variant has not been reported in the literature in individuals affected with SON-related conditions. An algorithm developed to predict the effect of missense changes on protein structure and function (PolyPhen-2) suggests that this variant is likely to be disruptive. In summary, the available evidence is currently insufficient to determine the role of this variant in disease. Therefore, it has been classified as a Variant of Uncertain Significance.